The following is an entry in ClinVar:

ClinVar aggregate classification (germline): Uncertain significance. Review status: criteria provided, multiple submitters, no conflicts (2 of 4 stars). 2 submissions from 2 submitters: Uncertain significance (2). Last evaluated 2024-12-08.

Conditions:
Hereditary spherocytosis type 1. Also called: Spherocytosis type 1; ANK1-Related Spherocytosis. Identifiers: Orphanet 822, MedGen C2674218, MONDO:0008447, OMIM 182900.

gnomAD v4.1: 23 of 1,614,042 alleles (0.0014%); highest among the groups gnomAD compares: Admixed American, 0.0033%; no homozygotes.

Submissions (2):

Labcorp Genetics (formerly Invitae), Labcorp
Classification: Uncertain significance. Last evaluated: 2024-12-08. Review status: criteria provided, single submitter. Criteria: Invitae Variant Classification Sherloc (09022015). Collection method: clinical testing. Allele origin: germline.
Comment: This sequence change replaces glutamine, which is neutral and polar, with histidine, which is basic and polar, at codon 1809 of the ANK1 protein (p.Gln1809His). This variant is present in population databases (rs747582386, gnomAD 0.005%). This variant has not been reported in the literature in individuals affected with ANK1-related conditions. An algorithm developed to predict the effect of missense changes on protein structure and function outputs the following: PolyPhen-2: "Benign". The histidine amino acid residue is found in multiple mammalian species, which suggests that this missense change does not adversely affect protein function. In summary, the available evidence is currently insufficient to determine the role of this variant in disease. Therefore, it has been classified as a Variant of Uncertain Significance.

Revvity Omics, Revvity
Classification: Uncertain significance for Hereditary spherocytosis type 1. Last evaluated: 2023-10-16. Review status: criteria provided, single submitter. Criteria: ACMG Guidelines, 2015. Collection method: clinical testing. Allele origin: germline.

NM_000037.4(ANK1):c.5427G>C (p.Gln1809His)

Gene: ANK1 (ankyrin 1; minus strand). Cytogenetic location: 8p11.21.
Variant type: single nucleotide variant.
Coding change: c.5427G>C on transcript NM_000037.4 (MANE Select); coding-DNA position 5427, G replaced by C.
Protein change: p.Gln1809His; replaces glutamine 1809 with histidine.
Molecular consequence: missense variant.
Genome position (GRCh38, 1-based): chr8:41,663,710, C>G on the plus strand (G>C on the coding strand, the complement: ANK1 is on the minus strand). VCF-style: chr8-41663710-C-G. GRCh37 (hg19) VCF-style: chr8-41521228-C-G.
Other names: c.252G>C, p.Gln84His (NM_001142445.2, NM_020478.5, NM_020480.5); c.5550G>C, p.Gln1850His (NM_001142446.2); c.5427G>C, p.Gln1809His (NM_020475.3, NM_020476.3); c.4941G>C, p.Gln1647His (NM_020477.3); short protein forms Q1850H, Q84H, Q1647H, Q1809H.
Identifiers: ClinVar variation 3718660 (VCV003718660.3).
Genomic context (GRCh38, chr8:41,663,710, plus strand): 5'-TGCACCCACCTTCTTGGTGACAATGTTGCCCTGCTCATCCGTGAATTGCTCCTCTGTCAC[C>G]TGCTCCCCTGGAATATTCTGAAACTCATTCCCCTGGAATTAGAGAAAGGGAGAAAATGCA-3'
Protein context (NP_000028.3, residues 1799-1819): GNEFQNIPGE[Gln1809His]VTEEQFTDEQ